The following is an entry in ClinVar:

NM_001142524.2(GPRASP3):c.565A>C (p.Asn189His)

Genes: ARMCX5-GPRASP2 (ARMCX5-GPRASP2 readthrough; plus strand), GPRASP3 (G protein-coupled receptor associated sorting protein family member 3; plus strand). Cytogenetic location: Xq22.1.
Variant type: single nucleotide variant.
Coding change: c.565A>C on transcript NM_001142524.2 (MANE Select); coding-DNA position 565, A replaced by C.
Protein change: p.Asn189His; replaces asparagine 189 with histidine.
Molecular consequence: missense variant.
Genome position (GRCh38, 1-based): chrX:102,749,560, A>C. VCF-style: chrX-102749560-A-C. GRCh37 (hg19) VCF-style: chrX-102004488-A-C.
Other names: c.565A>C, p.Asn189His (NM_001350268.2, NM_001350269.2, NM_001350270.1 and 7 more transcripts); short protein forms N189H.
Identifiers: ClinVar variation 2661087 (VCV002661087.25), dbSNP rs368463899, ClinGen allele CA10476746.
Genomic context (GRCh38, chrX:102,749,560, plus strand): 5'-GAGGAAGAGAATGTTATTGGGAACTGGTTTTGGGAAGGAGATGATACTAGTTTTGACCCT[A>C]ATCCTAAACCTGTGAGCAGGATAGTTAAGCCTCAGCCTGTGTATGAAATTAATGAAAAAA-3'
Protein context (NP_001135996.1, residues 179-199): WEGDDTSFDP[Asn189His]PKPVSRIVKP

ClinVar aggregate classification (germline): Conflicting classifications of pathogenicity. Review status: criteria provided, conflicting classifications (1 of 4 stars). 2 submissions from 2 submitters: Uncertain significance (1); Likely benign (1). Last evaluated 2025-05-17.

Allele frequency attached by ClinVar (database versions not stated): gnomAD 0.00011; ExAC 0.00013; TOPMed 0.00018; ESP Exome Variant Server 0.00019.
gnomAD v4.1: 210 of 1,209,722 alleles (0.017%); highest among the groups gnomAD compares: Non-Finnish European, 0.022%; no homozygotes.

Submissions (2):

Ambry Genetics
Classification: Uncertain significance. Last evaluated: 2025-05-17. Review status: criteria provided, single submitter. Criteria: Ambry Variant Classification Scheme 2023. Collection method: clinical testing. Allele origin: germline.

CeGaT Center for Human Genetics Tuebingen
Classification: Likely benign. Last evaluated: 2023-03-01. Review status: criteria provided, single submitter. Criteria: CeGaT Center For Human Genetics Tuebingen Variant Classification Criteria Version 2. Collection method: clinical testing. Allele origin: germline. Affected: yes. Observed: 1 variant allele.
Comment: GPRASP3: BP4, BS2